The following is an entry in ClinVar:

NM_000465.4(BARD1):c.365-20_365-1delinsAA

Gene: BARD1 (BRCA1 associated RING domain 1; minus strand). Cytogenetic location: 2q35.
Variant type: Indel.
Coding change: c.365-20_365-1delinsAA on transcript NM_000465.4 (MANE Select); 20 bases into the intron before coding-DNA position 365 through the canonical splice acceptor site of the intron before coding-DNA position 365, TTTTTCTTTTTTTCTGTCAG replaced by AA.
Molecular consequence: splice acceptor variant. On other transcripts: intron variant (3).
Genome position (GRCh38, 1-based): chr2:214,781,510-214,781,529, CTGACAGAAAAAAAGAAAAA replaced by TT on the plus strand (TTTTTCTTTTTTTCTGTCAG replaced by AA on the coding strand, the reverse complement: BARD1 is on the minus strand). VCF-style: chr2-214781510-CTGACAGAAAAAAAGAAAAA-TT. GRCh37 (hg19) VCF-style: chr2-215646234-CTGACAGAAAAAAAGAAAAA-TT.
Other names: c.215+15532_215+15551delinsAA (NM_001282545.2); c.364+10768_364+10787delinsAA (NM_001282549.2); c.158+27883_158+27902delinsAA (NM_001282548.2); c.308-20_308-1delinsAA (NM_001282543.2).
Identifiers: ClinVar variation 4826587 (VCV004826587.1).

ClinVar aggregate classification (germline): Likely pathogenic (1 of 4 stars; one submission).

Conditions:
Hereditary cancer-predisposing syndrome. Also called: Neoplastic Syndromes, Hereditary; Tumor predisposition; Hereditary Cancer Syndrome; Hereditary neoplastic syndrome. Identifiers: Orphanet 140162, MedGen C0027672, MeSH D009386, MONDO:0015356.

Submission:

Ambry Genetics
Classification: Likely pathogenic for Hereditary cancer-predisposing syndrome. Last evaluated: 2026-03-05. Review status: criteria provided, single submitter. Criteria: Ambry Variant Classification Scheme 2023. Collection method: clinical testing. Allele origin: germline.
Comment: The c.365-20_365-1del20insAA variant results from a deletion of 20 nucleotides and insertion of two nucleotides between positions c.365-20 and c.365-1 and involves the canonical splice acceptor site before coding exon 4 of the BARD1 gene. This variant is considered to be rare based on population cohorts in the Genome Aggregation Database (gnomAD). The canonical splice acceptor site is well conserved in available vertebrate species. In silico splice site analysis predicts that this alteration will weaken the native splice acceptor site; however, the exact impact of this variant on splicing and function is currently unknown. Variants that disrupt the canonical splice site are expected to cause aberrant splicing, resulting in an abnormal protein or a transcript that is subject to nonsense-mediated mRNA decay. As such, this variant is classified as likely pathogenic.